The following is an entry in ClinVar:

NM_001252024.2(TRPM1):c.3232A>G (p.Met1078Val)

Genes: TRPM1 (transient receptor potential cation channel subfamily M member 1; minus strand), TRPM1-AS1 (TRPM1 antisense RNA 1; plus strand). Cytogenetic location: 15q13.3.
Variant type: single nucleotide variant.
Coding change: c.3232A>G on transcript NM_001252024.2 (MANE Select); coding-DNA position 3232, A replaced by G.
Protein change: p.Met1078Val; replaces methionine 1078 with valine.
Molecular consequence: missense variant.
Genome position (GRCh38, 1-based): chr15:31,028,393, T>C on the plus strand (A>G on the coding strand, the complement: TRPM1 is on the minus strand). VCF-style: chr15-31028393-T-C. GRCh37 (hg19) VCF-style: chr15-31320596-T-C.
Other names: c.3166A>G (NM_002420.4); c.3283A>G, p.Met1095Val (NM_001252020.2); c.3166A>G, p.Met1056Val (NM_002420.6); c.3283A>G (NM_001252020.1); short protein forms M1056V, M1095V, M1078V.
Identifiers: ClinVar variation 1435835 (VCV001435835.8), dbSNP rs980778297, ClinGen allele CA267514775.

ClinVar aggregate classification (germline): Conflicting classifications of pathogenicity. Review status: criteria provided, conflicting classifications (1 of 4 stars). 3 submissions from 3 submitters: Likely pathogenic (1); Uncertain significance (2). Last evaluated 2026-04-03.

Conditions:
Inborn genetic diseases. Identifiers: MedGen C0950123, MeSH D030342.
TRPM1-related disorder. Also called: TRPM1-related condition.

Allele frequency attached by ClinVar (database versions not stated): TOPMed 0.00001.

Submissions (3):

PreventionGenetics, part of Exact Sciences
Classification: Likely pathogenic for TRPM1-related condition. Last evaluated: 2026-04-03. Review status: criteria provided, single submitter. Criteria: ACMG Guidelines, 2015. Collection method: clinical testing. Allele origin: germline.
Comment: The TRPM1 c.3283A>G variant is predicted to result in the amino acid substitution p.Met1095Val. To our knowledge, this variant has not been reported in the literature. This variant is predicted damaging to the encoded protein (Liu et al. 2016. PMID:26555599). This variant is absent in a large population database (gnomAD), indicating this variant is rare. This variant is interpreted as likely pathogenic.

Ambry Genetics
Classification: Uncertain significance for Inborn genetic diseases. Last evaluated: 2022-11-18. Review status: criteria provided, single submitter. Criteria: Ambry Variant Classification Scheme 2023. Collection method: clinical testing. Allele origin: germline.

Labcorp Genetics (formerly Invitae), Labcorp
Classification: Uncertain significance. Last evaluated: 2022-05-15. Review status: criteria provided, single submitter. Criteria: Invitae Variant Classification Sherloc (09022015). Collection method: clinical testing. Allele origin: germline.
Comment: In summary, the available evidence is currently insufficient to determine the role of this variant in disease. Therefore, it has been classified as a Variant of Uncertain Significance. Algorithms developed to predict the effect of missense changes on protein structure and function are either unavailable or do not agree on the potential impact of this missense change (SIFT: "Deleterious"; PolyPhen-2: "Possibly Damaging"; Align-GVGD: "Class C15"). This sequence change replaces methionine, which is neutral and non-polar, with valine, which is neutral and non-polar, at codon 1056 of the TRPM1 protein (p.Met1056Val). This variant is not present in population databases (gnomAD no frequency). This variant has not been reported in the literature in individuals affected with TRPM1-related conditions.